The following is an entry in ClinVar:

ClinVar aggregate classification (germline): Uncertain significance. Review status: criteria provided, multiple submitters, no conflicts (2 of 4 stars). 2 submissions from 2 submitters: Uncertain significance (2). Last evaluated 2025-07-03.

Conditions:
Inborn genetic diseases. Identifiers: MedGen C0950123, MeSH D030342.

Allele frequency attached by ClinVar (database versions not stated): gnomAD 0.00001; gnomAD exomes 0.00002; TOPMed 0.00003.
gnomAD v4.1: 32 of 1,591,146 alleles (0.002%); highest among the groups gnomAD compares: Middle Eastern, 0.017%; no homozygotes.

Submissions (2):

Ambry Genetics
Classification: Uncertain significance for Inborn genetic diseases. Last evaluated: 2025-07-03. Review status: criteria provided, single submitter. Criteria: Ambry Variant Classification Scheme 2023. Collection method: clinical testing. Allele origin: germline.

Labcorp Genetics (formerly Invitae), Labcorp
Classification: Uncertain significance. Last evaluated: 2024-09-05. Review status: criteria provided, single submitter. Criteria: Invitae Variant Classification Sherloc (09022015). Collection method: clinical testing. Allele origin: germline.
Comment: This sequence change replaces arginine, which is basic and polar, with cysteine, which is neutral and slightly polar, at codon 1992 of the LAMA5 protein (p.Arg1992Cys). The frequency data for this variant in the population databases is considered unreliable, as metrics indicate poor data quality at this position in the gnomAD database. This variant has not been reported in the literature in individuals affected with LAMA5-related conditions. ClinVar contains an entry for this variant (Variation ID: 1982868). Invitae Evidence Modeling of protein sequence and biophysical properties (such as structural, functional, and spatial information, amino acid conservation, physicochemical variation, residue mobility, and thermodynamic stability) indicates that this missense variant is not expected to disrupt LAMA5 protein function with a negative predictive value of 80%. In summary, the available evidence is currently insufficient to determine the role of this variant in disease. Therefore, it has been classified as a Variant of Uncertain Significance.

NM_005560.6(LAMA5):c.5974C>T (p.Arg1992Cys)

Gene: LAMA5 (laminin subunit alpha 5; minus strand). Cytogenetic location: 20q13.33.
Variant type: single nucleotide variant.
Coding change: c.5974C>T on transcript NM_005560.6 (MANE Select); coding-DNA position 5974, C replaced by T.
Protein change: p.Arg1992Cys; replaces arginine 1992 with cysteine.
Molecular consequence: missense variant.
Genome position (GRCh38, 1-based): chr20:62,323,546, G>A on the plus strand (C>T on the coding strand, the complement: LAMA5 is on the minus strand). VCF-style: chr20-62323546-G-A. GRCh37 (hg19) VCF-style: chr20-60898602-G-A.
Other names: short protein forms R1992C.
Identifiers: ClinVar variation 1982868 (VCV001982868.6), dbSNP rs867155718, ClinGen allele CA317251196.